The following is an entry in ClinVar:

ClinVar aggregate classification (germline): Uncertain significance (1 of 4 stars; one submission).

Allele frequency attached by ClinVar (database versions not stated): gnomAD exomes below 0.00001; TOPMed below 0.00001.
gnomAD v4.1: 1 of 1,598,018 alleles (0.000063%); highest among the groups gnomAD compares: Non-Finnish European, 0.000086%; no homozygotes.

Submission:

GeneDx
Classification: Uncertain significance. Last evaluated: 2022-05-24. Review status: criteria provided, single submitter. Criteria: GeneDx Variant Classification Process June 2021. Collection method: clinical testing. Allele origin: germline. Affected: yes.
Comment: Canonical splice site variant in a gene or region of a gene for which loss of function is not a well-established mechanism of disease; Not observed at significant frequency in large population cohorts (gnomAD); Has not been previously published as pathogenic or benign to our knowledge

NM_001195.5(BFSP1):c.535-2A>G

Gene: BFSP1 (beaded filament structural protein 1; minus strand). Cytogenetic location: 20p12.1.
Variant type: single nucleotide variant.
Coding change: c.535-2A>G on transcript NM_001195.5 (MANE Select); the canonical splice acceptor site of the intron before coding-DNA position 535, A replaced by G.
Molecular consequence: splice acceptor variant.
Genome position (GRCh38, 1-based): chr20:17,512,070, T>C on the plus strand (A>G on the coding strand, the complement: BFSP1 is on the minus strand). VCF-style: chr20-17512070-T-C. GRCh37 (hg19) VCF-style: chr20-17492715-T-C.
Other names: c.118-2A>G (NM_001278608.2, NM_001278606.2); c.202-2A>G (NM_001278607.2); c.160-2A>G (NM_001161705.2).
Identifiers: ClinVar variation 1804262 (VCV001804262.1), dbSNP rs2034095401, ClinGen allele CA408318138.
Genomic context (GRCh38, chr20:17,512,070, plus strand): 5'-GGAGTGGTGTGGATGATCTGCTGCAGGATGCTGATATAGGTCTGAACTTCCAGAAGATTC[T>C]GTTGGGGGAGGGAAAACATTCTCATTATAAGTTGAGCTGCGCTGGTTTTTCCTTCTAGTA-3'